The following is an entry in ClinVar:

ClinVar aggregate classification (germline): Likely benign. Review status: criteria provided, multiple submitters, no conflicts (2 of 4 stars). 2 submissions from 2 submitters: Likely benign (2). Last evaluated 2026-07-14.

Conditions:
Severe early-onset pulmonary alveolar proteinosis due to MARS deficiency. Also called: PULMONARY ALVEOLAR PROTEINOSIS, REUNION ISLAND; Interstitial lung and liver disease. Identifiers: Orphanet 440427, MedGen C4225400, MONDO:0014206, OMIM 615486.
Charcot-Marie-Tooth disease axonal type 2U. Also called: CHARCOT-MARIE-TOOTH NEUROPATHY, TYPE 2U; CHARCOT-MARIE-TOOTH DISEASE, AXONAL, AUTOSOMAL DOMINANT, TYPE 2U. Identifiers: Orphanet 397735, MedGen C4084821, MONDO:0014566, OMIM 616280.
MARS1-related disorder. Also called: MARS1-related condition.

gnomAD v4.1: 6 of 1,613,958 alleles (0.00037%); highest among the groups gnomAD compares: East Asian, 0.0045%; no homozygotes.

Submissions (2):

PreventionGenetics, part of Exact Sciences
Classification: Likely benign for MARS1-related condition. Last evaluated: 2026-07-14. Review status: criteria provided, single submitter. Criteria: ACMG Guidelines, 2015. Collection method: clinical testing. Allele origin: germline.
Comment: This variant is classified as likely benign based on ACMG/AMP sequence variant interpretation guidelines (Richards et al. 2015 PMID: 25741868, with internal and published modifications).

Labcorp Genetics (formerly Invitae), Labcorp
Classification: Likely benign for Charcot-Marie-Tooth disease axonal type 2U; Severe early-onset pulmonary alveolar proteinosis due to MARS deficiency. Last evaluated: 2024-04-09. Review status: criteria provided, single submitter. Criteria: Invitae Variant Classification Sherloc (09022015). Collection method: clinical testing. Allele origin: germline.

NM_004990.4(MARS1):c.12C>T (p.Phe4=)

Genes: ARHGAP9 (Rho GTPase activating protein 9; minus strand), MARS1 (methionyl-tRNA synthetase 1; plus strand). Cytogenetic location: 12q13.3.
Variant type: single nucleotide variant.
Coding change: c.12C>T on transcript NM_004990.4 (MANE Select); coding-DNA position 12, C replaced by T.
Protein change: p.Phe4=; no amino-acid change (phenylalanine 4 retained).
Molecular consequence: synonymous variant. On other transcripts: intron variant (1).
Genome position (GRCh38, 1-based): chr12:57,488,102, C>T. VCF-style: chr12-57488102-C-T. GRCh37 (hg19) VCF-style: chr12-57881885-C-T.
Other names: c.-204+510G>A (NM_001319850.2).
Identifiers: ClinVar variation 3764053 (VCV003764053.3).